The following is an entry in ClinVar:

NM_001001433.3(STX16):c.*1049G>A

Genes: STX16 (syntaxin 16; plus strand), STX16-NPEPL1 (STX16-NPEPL1 readthrough (NMD candidate); plus strand). Cytogenetic location: 20q13.32.
Variant type: single nucleotide variant.
Coding change: c.*1049G>A on transcript NM_001001433.3 (MANE Select); 1049 bases downstream of the stop codon, G replaced by A.
Molecular consequence: 3 prime UTR variant. On other transcripts: non-coding transcript variant (3).
Genome position (GRCh38, 1-based): chr20:58,677,340, G>A. VCF-style: chr20-58677340-G-A. GRCh37 (hg19) VCF-style: chr20-57252396-G-A.
Other names: c.*1049G>A (NM_001134772.3, NM_001134773.3, NM_001204868.2 and 1 more transcripts).
Identifiers: ClinVar variation 339069 (VCV000339069.5), dbSNP rs559176715, ClinGen allele CA10653301.

ClinVar aggregate classification (germline): Benign (1 of 4 stars; one submission).

Conditions:
Pseudohypoparathyroidism type 1B (PHP1B). Also called: PHP IB; Pseudohypoparathyroidism Ib (PHP-Ib); Pseudohypoparathyroidism Type IB. Identifiers: Orphanet 94089, MedGen C1864100, MONDO:0011301, OMIM 603233.

Allele frequency attached by ClinVar (database versions not stated): gnomAD 0.00027; 1000 Genomes Project 30x 0.00031; TOPMed 0.00033; 1000 Genomes Project 0.00060.

Submission:

Illumina Laboratory Services, Illumina
Classification: Benign for Pseudohypoparathyroidism type 1B. Last evaluated: 2018-01-13. Review status: criteria provided, single submitter. Criteria: ICSL Variant Classification Criteria 13 December 2019. Collection method: clinical testing. Allele origin: germline.
Comment: This variant was observed in the ICSL laboratory as part of a predisposition screen in an ostensibly healthy population. It had not been previously curated by ICSL or reported in the Human Gene Mutation Database (HGMD: prior to June 1st, 2018), and was therefore a candidate for classification through an automated scoring system. Utilizing variant allele frequency, disease prevalence and penetrance estimates, and inheritance mode, an automated score was calculated to assess if this variant is too frequent to cause the disease. Based on the score and internal cut-off values, a variant classified as benign is not then subjected to further curation. The score for this variant resulted in a classification of benign for this disease.